The following is an entry in ClinVar:

NM_001166108.2(PALLD):c.1149G>A (p.Met383Ile)

Gene: PALLD (palladin, cytoskeletal associated protein; plus strand). Cytogenetic location: 4q32.3.
Variant type: single nucleotide variant.
Coding change: c.1149G>A on transcript NM_001166108.2 (MANE Select); coding-DNA position 1149, G replaced by A.
Protein change: p.Met383Ile; replaces methionine 383 with isoleucine.
Molecular consequence: missense variant. On other transcripts: initiator codon variant (1).
Genome position (GRCh38, 1-based): chr4:168,681,393, G>A. VCF-style: chr4-168681393-G-A. GRCh37 (hg19) VCF-style: chr4-169602544-G-A.
Other names: c.3G>A, p.Met1Ile (NM_001166109.2); c.1149G>A, p.Met383Ile (NM_016081.4); short protein forms M1I, M383I.
Identifiers: ClinVar variation 1733327 (VCV001733327.3), dbSNP rs2531574335, ClinGen allele CA358794115.
Genomic context (GRCh38, chr4:168,681,393, plus strand): 5'-TGCCAGTTCAACAGATTCTGACAGTGAAAGTTTAGCTTTCAAATCAAGAGCTGGAGCTAT[G>A]CCACAGTAAGTGCCTACAATTCCATCGATTATGTGGAAACAAAGAATGGCAACAGAATGG-3'
Protein context (NP_001159580.1, residues 373-393): SLAFKSRAGA[Met383Ile]PQAQKKTTSV

ClinVar aggregate classification (germline): Uncertain significance (1 of 4 stars; one submission).

Allele frequency attached by ClinVar (database versions not stated): gnomAD exomes below 0.00001.
gnomAD v4.1: 1 of 1,594,362 alleles (0.000063%); highest among the groups gnomAD compares: Non-Finnish European, 0.000086%; no homozygotes.

Submission:

Ambry Genetics
Classification: Uncertain significance. Last evaluated: 2021-11-22. Review status: criteria provided, single submitter. Criteria: Ambry Variant Classification Scheme 2023. Collection method: clinical testing. Allele origin: germline.
Comment: The p.M383I variant (also known as c.1149G>A), located in coding exon 3 of the PALLD gene, results from a G to A substitution at nucleotide position 1149. The methionine at codon 383 is replaced by isoleucine, an amino acid with highly similar properties. This amino acid position is conserved. In addition, this alteration is predicted to be deleterious by in silico analysis. Since supporting evidence is limited at this time, the clinical significance of this alteration remains unclear.